The following is an entry in ClinVar:

ClinVar aggregate classification (germline): Benign. Review status: criteria provided, multiple submitters, no conflicts (2 of 4 stars). 4 submissions from 4 submitters: Benign (4). Last evaluated 2026-02-02.

Allele frequency attached by ClinVar (database versions not stated): 1000 Genomes Project 0.00260; 1000 Genomes Project 30x 0.00265; TOPMed 0.00684; ESP Exome Variant Server 0.00696; gnomAD exomes 0.00778 and 0.01123; ExAC 0.00840; gnomAD 0.01137.
gnomAD v4.1: 17,434 of 1,613,756 alleles (1.1%); highest among the groups gnomAD compares: Non-Finnish European, 1.3%; 138 homozygotes.

Submissions (4):

Labcorp Genetics (formerly Invitae), Labcorp
Classification: Benign. Last evaluated: 2026-02-02. Review status: criteria provided, single submitter. Criteria: Invitae Variant Classification Sherloc (09022015). Collection method: clinical testing. Allele origin: germline.

CeGaT Center for Human Genetics Tuebingen
Classification: Benign. Last evaluated: 2023-02-01. Review status: criteria provided, single submitter. Criteria: CeGaT Center For Human Genetics Tuebingen Variant Classification Criteria Version 2. Collection method: clinical testing. Allele origin: germline. Affected: yes. Observed: 2 variant alleles.
Comment: ITGAM: BP4, BS1, BS2

Eurofins Ntd Llc (ga)
Classification: Benign. Last evaluated: 2014-10-24. Review status: criteria provided, single submitter. Criteria: EGL Classification Definitions 2015. Collection method: clinical testing. Allele origin: germline. Observed: 1 variant allele, 1 heterozygote.

Breakthrough Genomics
Classification: Benign. Review status: criteria provided, single submitter. Criteria: ACMG Guidelines, 2015. Collection method: not provided. Allele origin: germline. Inheritance: Unknown mechanism. Affected: yes.

NM_000632.4(ITGAM):c.2999C>A (p.Thr1000Asn)

Gene: ITGAM (integrin subunit alpha M; plus strand). Cytogenetic location: 16p11.2.
Variant type: single nucleotide variant.
Coding change: c.2999C>A on transcript NM_000632.4 (MANE Select); coding-DNA position 2999, C replaced by A.
Protein change: p.Thr1000Asn; replaces threonine 1000 with asparagine.
Molecular consequence: missense variant.
Genome position (GRCh38, 1-based): chr16:31,330,103, C>A. VCF-style: chr16-31330103-C-A. GRCh37 (hg19) VCF-style: chr16-31341424-C-A.
Other names: c.2999C>A, p.Thr1000Asn (LRG_1333t1); c.3002C>A, p.Thr1001Asn (NM_001145808.2); short protein forms T1001N, T1000N.
Identifiers: ClinVar variation 195931 (VCV000195931.38), dbSNP rs41321249, ClinGen allele CA202032.
Genomic context (GRCh38, chr16:31,330,103, plus strand): 5'-TTCATCTCTGCCCCTTCTCAGTGCGTCTCTTTCCTCAGAACCTCTCGAGTACGTGCCACA[C>A]CAAGGAGCGCTTGCCCTCTCACTCCGACTTTCTGGCTGAGCTTCGGAAGGCCCCCGTGGT-3'
Protein context (NP_000623.2, residues 990-1010): FSENLSSTCH[Thr1000Asn]KERLPSHSDF